The following is an entry in ClinVar:

ClinVar aggregate classification (germline): Uncertain significance. Review status: criteria provided, multiple submitters, no conflicts (2 of 4 stars). 3 submissions from 3 submitters: Uncertain significance (3). Last evaluated 2024-09-04.

Conditions:
Hereditary cancer-predisposing syndrome. Also called: Neoplastic Syndromes, Hereditary; Hereditary Cancer Syndrome; Tumor predisposition; Hereditary neoplastic syndrome. Identifiers: Orphanet 140162, MedGen C0027672, MeSH D009386, MONDO:0015356.
Familial adenomatous polyposis 1 (FAP1). Also called: FAMILIAL ADENOMATOUS POLYPOSIS 1, ATTENUATED; POLYPOSIS, ADENOMATOUS INTESTINAL. Identifiers: MedGen C2713442, MONDO:0021056, OMIM 175100. Disease mechanism: loss of function.

Submissions (3):

Ambry Genetics
Classification: Uncertain significance for Hereditary cancer-predisposing syndrome. Last evaluated: 2024-09-04. Review status: criteria provided, single submitter. Criteria: Ambry Variant Classification Scheme 2023. Collection method: clinical testing. Allele origin: germline.
Comment: The p.K2062E variant (also known as c.6184A>G), located in coding exon 15 of the APC gene, results from an A to G substitution at nucleotide position 6184. The lysine at codon 2062 is replaced by glutamic acid, an amino acid with similar properties. This amino acid position is highly conserved in available vertebrate species. In addition, in silico predictors for this gene do not accurately predict pathogenicity. Missense alterations in APC are not a common cause of disease (Spier I et al. Genet Med. 2024 Feb;26(2):100992). Based on the available evidence, the clinical significance of this variant remains unclear.

Labcorp Genetics (formerly Invitae), Labcorp
Classification: Uncertain significance for Familial adenomatous polyposis 1. Last evaluated: 2022-05-13. Review status: criteria provided, single submitter. Criteria: Invitae Variant Classification Sherloc (09022015). Collection method: clinical testing. Allele origin: germline.
Comment: In summary, the available evidence is currently insufficient to determine the role of this variant in disease. Therefore, it has been classified as a Variant of Uncertain Significance. Algorithms developed to predict the effect of missense changes on protein structure and function (SIFT, PolyPhen-2, Align-GVGD) all suggest that this variant is likely to be tolerated. ClinVar contains an entry for this variant (Variation ID: 928102). This variant has not been reported in the literature in individuals affected with APC-related conditions. This variant is not present in population databases (gnomAD no frequency). This sequence change replaces lysine, which is basic and polar, with glutamic acid, which is acidic and polar, at codon 2062 of the APC protein (p.Lys2062Glu).

Color Diagnostics, LLC DBA Color Health
Classification: Uncertain significance for Hereditary cancer-predisposing syndrome. Last evaluated: 2019-11-22. Review status: criteria provided, single submitter. Criteria: ACMG Guidelines, 2015. Collection method: clinical testing. Allele origin: germline.
Comment: This missense variant replaces lysine with glutamic acid at codon 2062 of the APC protein. Computational prediction tool suggests that this variant may not impact protein structure and function (internally defined REVEL score threshold ≤0.5, PMID: 27666373). Splice site prediction tools suggest that this variant may not impact RNA splicing. To our knowledge, functional studies have not been performed for this variant. This variant has not been reported in individuals affected with hereditary cancer in the literature. This variant has not been identified in the general population by the Genome Aggregation Database (gnomAD). The available evidence is insufficient to determine the role of this variant in disease conclusively. Therefore, this variant is classified as a Variant of Uncertain Significance.

NM_000038.6(APC):c.6184A>G (p.Lys2062Glu)

Gene: APC (APC regulator of Wnt signaling pathway; plus strand). Cytogenetic location: 5q22.2.
Variant type: single nucleotide variant.
Coding change: c.6184A>G on transcript NM_000038.6 (MANE Select); coding-DNA position 6184, A replaced by G.
Protein change: p.Lys2062Glu; replaces lysine 2062 with glutamic acid.
Molecular consequence: missense variant.
Genome position (GRCh38, 1-based): chr5:112,841,778, A>G. VCF-style: chr5-112841778-A-G. GRCh37 (hg19) VCF-style: chr5-112177475-A-G.
Other names: c.6184A>G, p.Lys2062Glu (NM_001127510.3, NM_001354895.2); c.6130A>G, p.Lys2044Glu (NM_001127511.3); c.6238A>G, p.Lys2080Glu (NM_001354896.2); c.6214A>G, p.Lys2072Glu (NM_001354897.2); c.6109A>G, p.Lys2037Glu (NM_001354898.2); c.6100A>G, p.Lys2034Glu (NM_001354899.2); c.6061A>G, p.Lys2021Glu (NM_001354900.2); c.6007A>G, p.Lys2003Glu (NM_001354901.2); and 5 more; short protein forms K2072E, K1902E, K1936E, K1961E, K2021E, K2034E, K2037E, K2062E.
Identifiers: ClinVar variation 928102 (VCV000928102.10), dbSNP rs1561605668, ClinGen allele CA16034875.
Genomic context (GRCh38, chr5:112,841,778, plus strand): 5'-TGTATAAGCTCCGCAATGCCAAAAAAGAAAAAGCCTTCAAGACTCAAGGGTGATAATGAA[A>G]AACATAGTCCCAGAAATATGGGTGGCATATTAGGTGAAGATCTGACACTTGATTTGAAAG-3'
Protein context (NP_000029.2, residues 2052-2072): KPSRLKGDNE[Lys2062Glu]HSPRNMGGIL